The following is an entry in ClinVar:

ClinVar aggregate classification (germline): Uncertain significance (1 of 4 stars; one submission).

Conditions:
Hereditary cancer-predisposing syndrome. Also called: Tumor predisposition; Neoplastic Syndromes, Hereditary; Hereditary neoplastic syndrome; Hereditary Cancer Syndrome. Identifiers: Orphanet 140162, MedGen C0027672, MeSH D009386, MONDO:0015356.

Submission:

Ambry Genetics
Classification: Uncertain significance for Hereditary cancer-predisposing syndrome. Last evaluated: 2025-08-23. Review status: criteria provided, single submitter. Criteria: Ambry Variant Classification Scheme 2023. Collection method: clinical testing. Allele origin: germline.
Comment: The p.A249V variant (also known as c.746C>T), located in coding exon 8 of the MITF gene, results from a C to T substitution at nucleotide position 746. The alanine at codon 249 is replaced by valine, an amino acid with similar properties. This amino acid position is conserved. In addition, this alteration is predicted to be deleterious by in silico analysis. Based on the available evidence, the clinical significance of this variant remains unclear.

NM_001354604.2(MITF):c.1067C>T (p.Ala356Val)

Gene: MITF (melanocyte inducing transcription factor; plus strand). Cytogenetic location: 3p13.
Variant type: single nucleotide variant.
Coding change: c.1067C>T on transcript NM_001354604.2 (MANE Select); coding-DNA position 1067, C replaced by T.
Protein change: p.Ala356Val; replaces alanine 356 with valine.
Molecular consequence: missense variant.
Genome position (GRCh38, 1-based): chr3:69,959,308, C>T. VCF-style: chr3-69959308-C-T. GRCh37 (hg19) VCF-style: chr3-70008459-C-T.
Other names: c.746C>T, p.Ala249Val (NM_000248.4); c.893C>T, p.Ala298Val (NM_001184967.2, NM_001354608.2); c.1064C>T, p.Ala355Val (NM_001354605.2); c.1046C>T, p.Ala349Val (NM_001354606.2, NM_006722.3); c.998C>T, p.Ala333Val (NM_001354607.2); c.728C>T, p.Ala243Val (NM_198158.3); c.1049C>T, p.Ala350Val (NM_198159.3); c.1001C>T, p.Ala334Val (NM_198177.3); and 1 more; short protein forms A243V, A349V, A187V, A298V, A333V, A350V, A355V, A249V.
Identifiers: ClinVar variation 4108308 (VCV004108308.1).